The following is an entry in ClinVar:

ClinVar aggregate classification (germline): Conflicting classifications of pathogenicity. Review status: criteria provided, conflicting classifications (1 of 4 stars). 2 submissions from 2 submitters: Uncertain significance (1); Likely benign (1). Last evaluated 2026-01-06.

Conditions:
Cataract 1 multiple types. Also called: CATARACT 1, NUCLEAR PROGRESSIVE; CATARACT 1 WITH MICROCORNEA; CATARACT 1, POSTERIOR SUBCAPSULAR, WITH MICROCORNEA; CATARACT 1, STELLATE NUCLEAR, WITH MICROCORNEA; CATARACT 1, MULTIPLE TYPES, WITH OR WITHOUT MICROCORNEA; CATARACT, DUFFY-LINKED. Identifiers: Orphanet 1377, MedGen C1861828, MONDO:0007285, OMIM 116200.
Inborn genetic diseases. Identifiers: MedGen C0950123, MeSH D030342.

Allele frequency attached by ClinVar (database versions not stated): ExAC 0.00001; gnomAD exomes 0.00002; TOPMed 0.00002.
gnomAD v4.1: 31 of 1,614,124 alleles (0.0019%); highest among the groups gnomAD compares: Middle Eastern, 0.099%; no homozygotes.

Submissions (2):

Labcorp Genetics (formerly Invitae), Labcorp
Classification: Uncertain significance for Cataract 1 multiple types. Last evaluated: 2026-01-06. Review status: criteria provided, single submitter. Criteria: Invitae Variant Classification Sherloc (09022015). Collection method: clinical testing. Allele origin: germline.
Comment: This sequence change replaces glycine, which is neutral and non-polar, with arginine, which is basic and polar, at codon 231 of the GJA8 protein (p.Gly231Arg). This variant is present in population databases (rs782054970, gnomAD 0.003%). This variant has not been reported in the literature in individuals affected with GJA8-related conditions. ClinVar contains an entry for this variant (Variation ID: 2286051). Invitae Evidence Modeling of protein sequence and biophysical properties (such as structural, functional, and spatial information, amino acid conservation, physicochemical variation, residue mobility, and thermodynamic stability) indicates that this missense variant is not expected to disrupt GJA8 protein function with a negative predictive value of 95%. In summary, the available evidence is currently insufficient to determine the role of this variant in disease. Therefore, it has been classified as a Variant of Uncertain Significance.

Ambry Genetics
Classification: Likely benign for Inborn genetic diseases. Last evaluated: 2022-09-27. Review status: criteria provided, single submitter. Criteria: Ambry Variant Classification Scheme 2023. Collection method: clinical testing. Allele origin: germline.

NM_005267.5(GJA8):c.691G>A (p.Gly231Arg)

Gene: GJA8 (gap junction protein alpha 8; plus strand). Cytogenetic location: 1q21.2.
Variant type: single nucleotide variant.
Coding change: c.691G>A on transcript NM_005267.5 (MANE Select); coding-DNA position 691, G replaced by A.
Protein change: p.Gly231Arg; replaces glycine 231 with arginine.
Molecular consequence: missense variant.
Genome position (GRCh38, 1-based): chr1:147,908,646, G>A. VCF-style: chr1-147908646-G-A. GRCh37 (hg19) VCF-style: chr1-147380773-G-A.
Other names: short protein forms G231R.
Identifiers: ClinVar variation 2286051 (VCV002286051.3), dbSNP rs782054970, ClinGen allele CA1065990.